The following is an entry in ClinVar:

NM_000135.4(FANCA):c.3576G>A (p.Pro1192=)

Gene: FANCA (FA complementation group A; minus strand). Cytogenetic location: 16q24.3.
Variant type: single nucleotide variant.
Coding change: c.3576G>A on transcript NM_000135.4 (MANE Select); coding-DNA position 3576, G replaced by A.
Protein change: p.Pro1192=; no amino-acid change (proline 1192 retained).
Molecular consequence: synonymous variant.
Genome position (GRCh38, 1-based): chr16:89,745,009, C>T on the plus strand (G>A on the coding strand, the complement: FANCA is on the minus strand). VCF-style: chr16-89745009-C-T. GRCh37 (hg19) VCF-style: chr16-89811417-C-T.
Other names: c.3576G>A (LRG_495t1, NM_000135.3); c.3576G>A, p.Pro1192= (NM_001286167.3).
Identifiers: ClinVar variation 456116 (VCV000456116.16), dbSNP rs553086820, ClinGen allele CA8251090.
Genomic context (GRCh38, chr16:89,745,009, plus strand): 5'-CCACACGTACTCGCTGGCAAACTGCCGGCCTTCTTGTAGCTTCTGCAGTTCCCGGGGCAG[C>T]GGGCTCTGGCAGTGTCTCCTCCACCGGCAGAGCAGCACAGGCTCCAGGCTCGGCCACCAC-3'
Protein context (NP_000126.2, residues 1182-1202): LCRWRRHCQS[Pro1192=]LPRELQKLQE

ClinVar aggregate classification (germline): Benign/Likely benign. Review status: criteria provided, multiple submitters, no conflicts (2 of 4 stars). 5 submissions from 5 submitters: Benign (2); Likely benign (3). Last evaluated 2026-06-15.

Conditions:
FANCA-related disorder. Also called: FANCA-related condition.
Inborn genetic diseases. Identifiers: MedGen C0950123, MeSH D030342.
Fanconi anemia (FA). Also called: Fanconi's anemia. Identifiers: Orphanet 84, MedGen C0015625, MeSH D005199, MONDO:0019391.

Allele frequency attached by ClinVar (database versions not stated): gnomAD 0.00004 and 0.00008; TOPMed 0.00006; gnomAD exomes 0.00012 and 0.00030; 1000 Genomes Project 30x 0.00016; 1000 Genomes Project 0.00020; ExAC 0.00027.
gnomAD v4.1: 190 of 1,610,906 alleles (0.012%); highest among the groups gnomAD compares: South Asian, 0.17%; 1 homozygote.

Submissions (5):

PreventionGenetics, part of Exact Sciences
Classification: Likely benign for FANCA-related condition. Last evaluated: 2026-06-15. Review status: criteria provided, single submitter. Criteria: ACMG Guidelines, 2015. Collection method: clinical testing. Allele origin: germline.
Comment: This variant is classified as likely benign based on ACMG/AMP sequence variant interpretation guidelines (Richards et al. 2015 PMID: 25741868, with internal and published modifications).

Labcorp Genetics (formerly Invitae), Labcorp
Classification: Benign for Fanconi anemia. Last evaluated: 2026-01-28. Review status: criteria provided, single submitter. Criteria: Invitae Variant Classification Sherloc (09022015). Collection method: clinical testing. Allele origin: germline.

Quest Diagnostics Nichols Institute San Juan Capistrano
Classification: Benign. Last evaluated: 2025-05-13. Review status: criteria provided, single submitter. Criteria: Quest Diagnostics criteria. Collection method: clinical testing. Allele origin: unknown.

Ambry Genetics
Classification: Likely benign for Inborn genetic diseases. Last evaluated: 2024-11-23. Review status: criteria provided, single submitter. Criteria: Ambry Variant Classification Scheme 2023. Collection method: clinical testing. Allele origin: germline.

Blueprint Genetics
Classification: Likely benign. Last evaluated: 2024-10-04. Review status: criteria provided, single submitter. Criteria: ACMG Guidelines, 2015. Collection method: clinical testing. Allele origin: germline.